The following is an entry in ClinVar:

ClinVar aggregate classification (germline): Uncertain significance (1 of 4 stars; one submission).

Submission:

GeneDx
Classification: Uncertain significance. Last evaluated: 2023-11-01. Review status: criteria provided, single submitter. Criteria: GeneDx Variant Classification Process June 2021. Collection method: clinical testing. Allele origin: germline. Affected: yes.
Comment: Not observed at significant frequency in large population cohorts (gnomAD); In silico analysis supports that this missense variant does not alter protein structure/function; Has not been previously published as pathogenic or benign to our knowledge

NM_001173464.2(KIF21A):c.32G>A (p.Arg11Gln)

Gene: KIF21A (kinesin family member 21A; minus strand). Cytogenetic location: 12q12.
Variant type: single nucleotide variant.
Coding change: c.32G>A on transcript NM_001173464.2 (MANE Select); coding-DNA position 32, G replaced by A.
Protein change: p.Arg11Gln; replaces arginine 11 with glutamine.
Molecular consequence: missense variant.
Genome position (GRCh38, 1-based): chr12:39,442,939, C>T on the plus strand (G>A on the coding strand, the complement: KIF21A is on the minus strand). VCF-style: chr12-39442939-C-T. GRCh37 (hg19) VCF-style: chr12-39836741-C-T.
Other names: c.32G>A, p.Arg11Gln (NM_001173463.2, NM_001173465.2, NM_001378439.1 and 3 more transcripts); short protein forms R11Q.
Identifiers: ClinVar variation 3363772 (VCV003363772.1).